The following is an entry in ClinVar:

NM_032977.4(CASP10):c.20A>G (p.His7Arg)

Gene: CASP10 (caspase 10; plus strand). Cytogenetic location: 2q33.1.
Variant type: single nucleotide variant.
Coding change: c.20A>G on transcript NM_032977.4 (MANE Select); coding-DNA position 20, A replaced by G.
Protein change: p.His7Arg; replaces histidine 7 with arginine.
Molecular consequence: missense variant.
Genome position (GRCh38, 1-based): chr2:201,185,797, A>G. VCF-style: chr2-201185797-A-G. GRCh37 (hg19) VCF-style: chr2-202050520-A-G.
Other names: c.20A>G, p.His7Arg (NM_001206524.2, NM_001206542.2, NM_001230.5 and 3 more transcripts); short protein forms H7R.
Identifiers: ClinVar variation 333415 (VCV000333415.18), dbSNP rs200935960, ClinGen allele CA2052764.

ClinVar aggregate classification (germline): Conflicting classifications of pathogenicity. Review status: criteria provided, conflicting classifications (1 of 4 stars). 3 submissions from 3 submitters: Uncertain significance (2); Benign (1). Last evaluated 2026-01-26.

Conditions:
Autoimmune lymphoproliferative syndrome type 2A (ALPS2A). Also called: CASP10-Related Autoimmune Lymphoproliferative Syndrome; AUTOIMMUNE LYMPHOPROLIFERATIVE SYNDROME, TYPE IIA; Autoimmune lymphoproliferative syndrome type 2. Identifiers: Orphanet 3261, MedGen C1858968, MONDO:0011383, OMIM 603909.

Allele frequency attached by ClinVar (database versions not stated): gnomAD 0.00004 and 0.00005; gnomAD exomes 0.00005 and 0.00011; ExAC 0.00009; TOPMed 0.00012.
gnomAD v4.1: 98 of 1,613,700 alleles (0.0061%); highest among the groups gnomAD compares: Middle Eastern, 0.049%; no homozygotes.

Submissions (3):

Labcorp Genetics (formerly Invitae), Labcorp
Classification: Uncertain significance for Autoimmune lymphoproliferative syndrome type 2A. Last evaluated: 2026-01-26. Review status: criteria provided, single submitter. Criteria: Invitae Variant Classification Sherloc (09022015). Collection method: clinical testing. Allele origin: germline.
Comment: This sequence change replaces histidine, which is basic and polar, with arginine, which is basic and polar, at codon 7 of the CASP10 protein (p.His7Arg). This variant is present in population databases (rs200935960, gnomAD 0.05%). This variant has not been reported in the literature in individuals affected with CASP10-related conditions. ClinVar contains an entry for this variant (Variation ID: 333415). An algorithm developed to predict the effect of missense changes on protein structure and function (PolyPhen-2) suggests that this variant is likely to be tolerated. In summary, the available evidence is currently insufficient to determine the role of this variant in disease. Therefore, it has been classified as a Variant of Uncertain Significance.

Ambry Genetics
Classification: Uncertain significance. Last evaluated: 2025-11-05. Review status: criteria provided, single submitter. Criteria: Ambry Variant Classification Scheme 2023. Collection method: clinical testing. Allele origin: germline.

Illumina Laboratory Services, Illumina
Classification: Benign for Autoimmune lymphoproliferative syndrome type 2A. Last evaluated: 2018-01-12. Review status: criteria provided, single submitter. Criteria: ICSL Variant Classification Criteria 13 December 2019. Collection method: clinical testing. Allele origin: germline.
Comment: This variant was observed in the ICSL laboratory as part of a predisposition screen in an ostensibly healthy population. It had not been previously curated by ICSL or reported in the Human Gene Mutation Database (HGMD: prior to June 1st, 2018), and was therefore a candidate for classification through an automated scoring system. Utilizing variant allele frequency, disease prevalence and penetrance estimates, and inheritance mode, an automated score was calculated to assess if this variant is too frequent to cause the disease. Based on the score and internal cut-off values, a variant classified as benign is not then subjected to further curation. The score for this variant resulted in a classification of benign for this disease.